The following is an entry in ClinVar:

ClinVar aggregate classification (germline): Pathogenic. Review status: reviewed by expert panel (3 of 4 stars). 4 submissions from 4 submitters: Pathogenic (1). 3 of the submissions do not count toward it. Last evaluated 2016-10-18.

Conditions:
Breast-ovarian cancer, familial, susceptibility to, 1 (BROVCA1). Also called: BRCA1 Hereditary Breast and Ovarian Cancer; OVARIAN CANCER, SUSCEPTIBILITY TO. Identifiers: Orphanet 145, MedGen C2676676, MONDO:0011450, OMIM 604370. Disease mechanism: loss of function.
Familial cancer of breast. Also called: hereditary breast carcinoma; BREAST CANCER, FAMILIAL; Hereditary breast cancer. Identifiers: Orphanet 227535, MedGen C0346153, MONDO:0016419, OMIM 114480. Disease mechanism: loss of function.

Submissions (4):

Evidence-based Network for the Interpretation of Germline Mutant Alleles (ENIGMA)
Classification: Pathogenic for Breast-ovarian cancer, familial, susceptibility to, 1. Last evaluated: 2016-10-18. Review status: reviewed by expert panel. Criteria: ENIGMA BRCA1/2 Classification Criteria (2015). Collection method: curation. Allele origin: germline.
Comment: Variant allele predicted to encode a truncated non-functional protein.

Center for Genomic Medicine, Rigshospitalet, Copenhagen University Hospital
Classification: Pathogenic. Last evaluated: 2025-12-29. Review status: criteria provided, single submitter. Criteria: ACMG Guidelines, 2015. Collection method: clinical testing. Allele origin: germline. Not counted in ClinVar's aggregate classification.

Department of Clinical Genetics, Copenhagen University Hospital, Rigshospitalet
Classification: Pathogenic for Familial cancer of breast. Last evaluated: 2025-12-10. Review status: criteria provided, single submitter. Criteria: ACMG Guidelines, 2015. Collection method: clinical testing. Allele origin: germline. Not counted in ClinVar's aggregate classification.
Comment: The following ACMG criteria has been used: PM2_SUP; PVS1; PM5_Strong (PTC)

Consortium of Investigators of Modifiers of BRCA1/2 (CIMBA), c/o University of Cambridge
Classification: Pathogenic for Breast-ovarian cancer, familial, susceptibility to, 1. Last evaluated: 2015-10-02. Review status: criteria provided, single submitter. Criteria: CIMBA Mutation Classification guidelines May 2016. Collection method: clinical testing. Allele origin: germline. Not counted in ClinVar's aggregate classification.

Literature cited by the submitters: PubMed 21318380 (cited by Center for Genomic Medicine, Rigshospitalet, Copenhagen University Hospital and Department of Clinical Genetics, Copenhagen University Hospital, Rigshospitalet).

NM_007294.4(BRCA1):c.3914del (p.Asp1305fs)

Genes: BRCA1 (BRCA1 DNA repair associated; minus strand), LOC126862571 (BRD4-independent group 4 enhancer GRCh37_chr17:41243136-41244335; plus strand). Cytogenetic location: 17q21.31.
Variant type: Deletion.
Coding change: c.3914del on transcript NM_007294.4 (MANE Select); coding-DNA position 3914, one base deleted (A; older notation c.3914delA).
Protein change: p.Asp1305fs; shifts the reading frame from aspartic acid 1305.
Molecular consequence: frameshift variant. On other transcripts: intron variant (135).
Genome position (GRCh38, 1-based): chr17:43,091,617, T deleted on the plus strand (A on the coding strand, the reverse complement: BRCA1 is on the minus strand). VCF-style (leftmost placement, unchanged base first): chr17-43091616-GT-G. GRCh37 (hg19) VCF-style: chr17-41243633-GT-G.
Other names: 4033delA-ter; c.3770del, p.Asp1257fs (NM_001407943.1, NM_001407964.1, NM_001407740.1 and 20 more transcripts); c.3773del, p.Asp1258fs (NM_001407944.1, NM_001407945.1, NM_007297.4 and 29 more transcripts); c.3581del, p.Asp1194fs (NM_001407946.1, NM_001407947.1, NM_001407948.1 and 6 more transcripts); c.3578del, p.Asp1193fs (NM_001407954.1, NM_001407955.1, NM_001407956.1 and 1 more transcripts); c.3533del, p.Asp1178fs (NM_001407959.1, NM_001407960.1, NM_001407963.1); c.3530del, p.Asp1177fs (NM_001407962.1); c.3410del, p.Asp1137fs (NM_001407965.1); and 42 more; short protein forms D1305fs, D1258fs, D1137fs, D1178fs, D1216fs, D1217fs, D1235fs, D1278fs.
Identifiers: ClinVar variation 55048 (VCV000055048.10), dbSNP rs397509118, ClinGen allele CA002518.